The following is an entry in ClinVar:

ClinVar aggregate classification (germline): Likely benign (1 of 4 stars; one submission).

Allele frequency attached by ClinVar (database versions not stated): gnomAD exomes below 0.00001; ExAC 0.00001.
gnomAD v4.1: 3 of 1,614,122 alleles (0.00019%); highest among the groups gnomAD compares: South Asian, 0.0033%; no homozygotes.

Submission:

CeGaT Center for Human Genetics Tuebingen
Classification: Likely benign. Last evaluated: 2023-08-01. Review status: criteria provided, single submitter. Criteria: CeGaT Center For Human Genetics Tuebingen Variant Classification Criteria Version 2. Collection method: clinical testing. Allele origin: germline. Affected: yes. Observed: 1 variant allele.
Comment: SDK1: BP4, BP7

NM_152744.4(SDK1):c.5613G>A (p.Lys1871=)

Gene: SDK1 (sidekick cell adhesion molecule 1; plus strand). Cytogenetic location: 7p22.2.
Variant type: single nucleotide variant.
Coding change: c.5613G>A on transcript NM_152744.4 (MANE Select); coding-DNA position 5613, G replaced by A.
Protein change: p.Lys1871=; no amino-acid change (lysine 1871 retained).
Molecular consequence: synonymous variant.
Genome position (GRCh38, 1-based): chr7:4,220,182, G>A. VCF-style: chr7-4220182-G-A. GRCh37 (hg19) VCF-style: chr7-4259814-G-A.
Other names: c.1074G>A, p.Lys358= (NM_001079653.2).
Identifiers: ClinVar variation 2657254 (VCV002657254.24), dbSNP rs776394565, ClinGen allele CA4135741.